The following is an entry in ClinVar:

ClinVar aggregate classification (germline): Uncertain significance (1 of 4 stars; one submission).

Submission:

Ambry Genetics
Classification: Uncertain significance. Last evaluated: 2026-07-13. Review status: criteria provided, single submitter. Criteria: Ambry Variant Classification Scheme 2023. Collection method: clinical testing. Allele origin: germline.
Comment: The p.P247A variant (also known as c.739C>G), located in coding exon 6 of the RINT1 gene, results from a C to G substitution at nucleotide position 739. The proline at codon 247 is replaced by alanine, an amino acid with highly similar properties. This amino acid position is conserved. In addition, this alteration is predicted to be tolerated by in silico analysis. Based on the available evidence, the clinical significance of this variant remains unclear.

NM_021930.6(RINT1):c.739C>G (p.Pro247Ala)

Gene: RINT1 (RAD50 interactor 1; plus strand). Cytogenetic location: 7q22.3.
Variant type: single nucleotide variant.
Coding change: c.739C>G on transcript NM_021930.6 (MANE Select); coding-DNA position 739, C replaced by G.
Protein change: p.Pro247Ala; replaces proline 247 with alanine.
Molecular consequence: missense variant. On other transcripts: 5 prime UTR variant (2), non-coding transcript variant (1), intron variant (1).
Genome position (GRCh38, 1-based): chr7:105,547,233, C>G. VCF-style: chr7-105547233-C-G. GRCh37 (hg19) VCF-style: chr7-105187680-C-G.
Other names: c.505C>G, p.Pro169Ala (NM_001346599.2); c.-281C>G (NM_001346600.2); c.-184C>G (NM_001346601.2); c.-27-2822C>G (NM_001346603.2); short protein forms P247A, P169A.
Identifiers: ClinVar variation 5028279 (VCV005028279.1).